The following is an entry in ClinVar:

NM_000486.6(AQP2):c.223T>G (p.Cys75Gly)

Gene: AQP2 (aquaporin 2; plus strand). Cytogenetic location: 12q13.12.
Variant type: single nucleotide variant.
Coding change: c.223T>G on transcript NM_000486.6 (MANE Select); coding-DNA position 223, T replaced by G.
Protein change: p.Cys75Gly; replaces cysteine 75 with glycine.
Molecular consequence: missense variant.
Genome position (GRCh38, 1-based): chr12:49,951,053, T>G. VCF-style: chr12-49951053-T-G. GRCh37 (hg19) VCF-style: chr12-50344836-T-G.
Other names: short protein forms C75G.
Identifiers: ClinVar variation 35693 (VCV000035693.3), dbSNP rs193922494, ClinGen allele CA260118.

ClinVar aggregate classification (germline): Likely pathogenic (1 of 4 stars; one submission).

Conditions:
Nephrogenic diabetes insipidus. Identifiers: Orphanet 223, MedGen C0162283, MONDO:0016383, HP:0009806.

Submission:

Women's Health and Genetics/Laboratory Corporation of America, LabCorp
Classification: Likely pathogenic for Nephrogenic Diabetes Insipidus. Last evaluated: 2011-08-18. Review status: criteria provided, single submitter. Criteria: LabCorp Variant Classification Summary - May 2015. Collection method: curation, clinical testing. Allele origin: germline. Inheritance: autosomal unknown. Affected: yes.
ClinVar note: Converted during submission from likely pathogenic to Likely pathogenic.